The following is an entry in ClinVar:

NM_020937.4(FANCM):c.80C>T (p.Ser27Phe)

Genes: FANCM (FA complementation group M; plus strand), LOC130055524 (ATAC-STARR-seq lymphoblastoid active region 8299; plus strand). Cytogenetic location: 14q21.2.
Variant type: single nucleotide variant.
Coding change: c.80C>T on transcript NM_020937.4 (MANE Select); coding-DNA position 80, C replaced by T.
Protein change: p.Ser27Phe; replaces serine 27 with phenylalanine.
Molecular consequence: missense variant.
Genome position (GRCh38, 1-based): chr14:45,136,111, C>T. VCF-style: chr14-45136111-C-T. GRCh37 (hg19) VCF-style: chr14-45605314-C-T.
Other names: c.80C>T, p.Ser27Phe (NM_001308133.2, NM_001308134.2); short protein forms S27F.
Identifiers: ClinVar variation 1005824 (VCV001005824.9), dbSNP rs1885469771, ClinGen allele CA389586877.

ClinVar aggregate classification (germline): Uncertain significance (1 of 4 stars; one submission).

Conditions:
Fanconi anemia (FA). Also called: Fanconi's anemia. Identifiers: Orphanet 84, MedGen C0015625, MeSH D005199, MONDO:0019391.

Submission:

Labcorp Genetics (formerly Invitae), Labcorp
Classification: Uncertain significance for Fanconi anemia. Last evaluated: 2020-10-29. Review status: criteria provided, single submitter. Criteria: Invitae Variant Classification Sherloc (09022015). Collection method: clinical testing. Allele origin: germline.
Comment: In summary, the available evidence is currently insufficient to determine the role of this variant in disease. Therefore, it has been classified as a Variant of Uncertain Significance. Algorithms developed to predict the effect of missense changes on protein structure and function are either unavailable or do not agree on the potential impact of this missense change (SIFT: "Tolerated"; PolyPhen-2: "Possibly Damaging"; Align-GVGD: "Class C0"). This variant has not been reported in the literature in individuals with FANCM-related conditions. This variant is not present in population databases (ExAC no frequency). This sequence change replaces serine with phenylalanine at codon 27 of the FANCM protein (p.Ser27Phe). The serine residue is weakly conserved and there is a large physicochemical difference between serine and phenylalanine.